The following is an entry in ClinVar:

NM_004415.4(DSP):c.7909A>G (p.Ile2637Val)

Gene: DSP (desmoplakin; plus strand). Cytogenetic location: 6p24.3.
Variant type: single nucleotide variant.
Coding change: c.7909A>G on transcript NM_004415.4 (MANE Select); coding-DNA position 7909, A replaced by G.
Protein change: p.Ile2637Val; replaces isoleucine 2637 with valine.
Molecular consequence: missense variant.
Genome position (GRCh38, 1-based): chr6:7,585,171, A>G. VCF-style: chr6-7585171-A-G. GRCh37 (hg19) VCF-style: chr6-7585404-A-G.
Other names: c.6112A>G, p.Ile2038Val (NM_001008844.3); c.6580A>G, p.Ile2194Val (NM_001319034.2); short protein forms I2038V, I2194V, I2637V.
Identifiers: ClinVar variation 1163847 (VCV001163847.12), dbSNP rs1759605309, ClinGen allele CA362694042.

ClinVar aggregate classification (germline): Uncertain significance. Review status: criteria provided, multiple submitters, no conflicts (2 of 4 stars). 2 submissions from 2 submitters: Uncertain significance (2). Last evaluated 2021-03-10.

Conditions:
Arrhythmogenic cardiomyopathy with wooly hair and keratoderma. Also called: Arrhythmogenic cardiomyopathy with woolly hair and keratoderma; Carvajal syndrome; PALMOPLANTAR KERATODERMA WITH LEFT VENTRICULAR CARDIOMYOPATHY AND WOOLLY HAIR; Dilated cardiomyopathy with woolly hair and keratoderma. Identifiers: Orphanet 65282, MedGen C1854063, MONDO:0011581, OMIM 605676.
Arrhythmogenic right ventricular dysplasia 8 (ARVD8). Also called: Arrhythmogenic Right Ventricular Dysplasia/Cardiomyopathy 8; ARRHYTHMOGENIC RIGHT VENTRICULAR CARDIOMYOPATHY 8; ARRHYTHMOGENIC RIGHT VENTRICULAR DYSPLASIA, FAMILIAL, 8. Identifiers: MedGen C1843896, MONDO:0011831, OMIM 607450.

Allele frequency attached by ClinVar (database versions not stated): TOPMed 0.00001.

Submissions (2):

Labcorp Genetics (formerly Invitae), Labcorp
Classification: Uncertain significance for Arrhythmogenic cardiomyopathy with wooly hair and keratoderma; Arrhythmogenic right ventricular dysplasia 8. Last evaluated: 2021-03-10. Review status: criteria provided, single submitter. Criteria: Invitae Variant Classification Sherloc (09022015). Collection method: clinical testing. Allele origin: germline.
Comment: In summary, the available evidence is currently insufficient to determine the role of this variant in disease. Therefore, it has been classified as a Variant of Uncertain Significance. Algorithms developed to predict the effect of missense changes on protein structure and function (SIFT, PolyPhen-2, Align-GVGD) all suggest that this variant is likely to be tolerated, but these predictions have not been confirmed by published functional studies and their clinical significance is uncertain. This variant has not been reported in the literature in individuals with DSP-related conditions. This variant is not present in population databases (ExAC no frequency). This sequence change replaces isoleucine with valine at codon 2637 of the DSP protein (p.Ile2637Val). The isoleucine residue is highly conserved and there is a small physicochemical difference between isoleucine and valine.

Mayo Clinic Laboratories, Mayo Clinic
Classification: Uncertain significance. Last evaluated: 2020-09-10. Review status: criteria provided, single submitter. Criteria: ACMG Guidelines, 2015. Collection method: clinical testing. Allele origin: germline. Observed: 1 variant allele.